The following is an entry in ClinVar:

NM_015001.3(SPEN):c.8420G>A (p.Arg2807His)

Gene: SPEN (spen family transcriptional repressor; plus strand). Cytogenetic location: 1p36.13.
Variant type: single nucleotide variant.
Coding change: c.8420G>A on transcript NM_015001.3 (MANE Select); coding-DNA position 8420, G replaced by A.
Protein change: p.Arg2807His; replaces arginine 2807 with histidine.
Molecular consequence: missense variant.
Genome position (GRCh38, 1-based): chr1:15,934,660, G>A. VCF-style: chr1-15934660-G-A. GRCh37 (hg19) VCF-style: chr1-16261155-G-A.
Other names: short protein forms R2807H.
Identifiers: ClinVar variation 3367899 (VCV003367899.1).

ClinVar aggregate classification (germline): Uncertain significance (1 of 4 stars; one submission).

gnomAD v4.1: 1 of 1,614,010 alleles (0.000062%); highest among the groups gnomAD compares: Admixed American, 0.0017%; no homozygotes.

Submission:

GeneDx
Classification: Uncertain significance. Last evaluated: 2024-01-16. Review status: criteria provided, single submitter. Criteria: GeneDx Variant Classification Process June 2021. Collection method: clinical testing. Allele origin: germline. Affected: yes.
Comment: Not observed at significant frequency in large population cohorts (gnomAD); In silico analysis supports that this missense variant does not alter protein structure/function; Has not been previously published as pathogenic or benign to our knowledge